The following is an entry in ClinVar:

NM_005733.3(KIF20A):c.1765C>T (p.Arg589Ter)

Gene: KIF20A (kinesin family member 20A; plus strand). Cytogenetic location: 5q31.2.
Variant type: single nucleotide variant.
Coding change: c.1765C>T on transcript NM_005733.3 (MANE Select); coding-DNA position 1765, C replaced by T.
Protein change: p.Arg589Ter; replaces arginine 589 with a stop codon.
Molecular consequence: nonsense.
Genome position (GRCh38, 1-based): chr5:138,184,888, C>T. VCF-style: chr5-138184888-C-T. GRCh37 (hg19) VCF-style: chr5-137520577-C-T.
Other names: short protein forms R589*.
Identifiers: ClinVar variation 2983346 (VCV002983346.3), dbSNP rs766253266, ClinGen allele CA3426701.

ClinVar aggregate classification (germline): Uncertain significance (1 of 4 stars; one submission).

Allele frequency attached by ClinVar (database versions not stated): TOPMed 0.00003; gnomAD exomes below 0.00001; gnomAD 0.00002; ExAC 0.00001.
gnomAD v4.1: 7 of 1,613,938 alleles (0.00043%); highest among the groups gnomAD compares: East Asian, 0.0045%; no homozygotes.

Submission:

Labcorp Genetics (formerly Invitae), Labcorp
Classification: Uncertain significance. Last evaluated: 2025-02-26. Review status: criteria provided, single submitter. Criteria: Invitae Variant Classification Sherloc (09022015). Collection method: clinical testing. Allele origin: germline.
Comment: This sequence change creates a premature translational stop signal (p.Arg589*) in the KIF20A gene. It is expected to result in an absent or disrupted protein product. However, the current clinical and genetic evidence is not sufficient to establish whether loss-of-function variants in KIF20A cause disease. This variant is present in population databases (rs766253266, gnomAD 0.01%). This variant has not been reported in the literature in individuals affected with KIF20A-related conditions. ClinVar contains an entry for this variant (Variation ID: 2983346). In summary, the available evidence is currently insufficient to determine the role of this variant in disease. Therefore, it has been classified as a Variant of Uncertain Significance.